The following is an entry in ClinVar:

ClinVar aggregate classification (germline): Uncertain significance (1 of 4 stars; one submission).

Conditions:
DICER1-related tumor predisposition. Also called: DICER1 syndrome; DICER1-related pleuropulmonary blastoma cancer predisposition syndrome. Identifiers: Orphanet 284343, MedGen C3839822, MONDO:0100216.

Allele frequency attached by ClinVar (database versions not stated): gnomAD exomes below 0.00001.
gnomAD v4.1: 1 of 1,614,014 alleles (0.000062%); highest among the groups gnomAD compares: Admixed American, 0.0017%; no homozygotes.

Submission:

Labcorp Genetics (formerly Invitae), Labcorp
Classification: Uncertain significance for DICER1-related tumor predisposition. Last evaluated: 2024-09-19. Review status: criteria provided, single submitter. Criteria: Invitae Variant Classification Sherloc (09022015). Collection method: clinical testing. Allele origin: germline.
Comment: This sequence change replaces glutamine, which is neutral and polar, with arginine, which is basic and polar, at codon 1918 of the DICER1 protein (p.Gln1918Arg). This variant is present in population databases (no rsID available, gnomAD 0.003%). This variant has not been reported in the literature in individuals affected with DICER1-related conditions. ClinVar contains an entry for this variant (Variation ID: 2125363). An algorithm developed to predict the effect of missense changes on protein structure and function (PolyPhen-2) suggests that this variant is likely to be disruptive. In summary, the available evidence is currently insufficient to determine the role of this variant in disease. Therefore, it has been classified as a Variant of Uncertain Significance.

NM_177438.3(DICER1):c.5753A>G (p.Gln1918Arg)

Gene: DICER1 (dicer 1, ribonuclease III; minus strand). Cytogenetic location: 14q32.13.
Variant type: single nucleotide variant.
Coding change: c.5753A>G on transcript NM_177438.3 (MANE Select); coding-DNA position 5753, A replaced by G.
Protein change: p.Gln1918Arg; replaces glutamine 1918 with arginine.
Molecular consequence: missense variant. On other transcripts: 3 prime UTR variant (1), non-coding transcript variant (6).
Genome position (GRCh38, 1-based): chr14:95,090,514, T>C on the plus strand (A>G on the coding strand, the complement: DICER1 is on the minus strand). VCF-style: chr14-95090514-T-C. GRCh37 (hg19) VCF-style: chr14-95556851-T-C.
Other names: c.*100A>G (NM_001195573.1); c.5753A>G, p.Gln1918Arg (NM_001271282.3, NM_001291628.2, NM_001395677.1 and 8 more transcripts); c.5471A>G, p.Gln1824Arg (NM_001395686.1); c.5348A>G, p.Gln1783Arg (NM_001395687.1, NM_001395688.1, NM_001395689.1 and 1 more transcripts); c.5186A>G, p.Gln1729Arg (NM_001395691.1); c.4070A>G, p.Gln1357Arg (NM_001395697.1); short protein forms Q1357R, Q1729R, Q1783R, Q1918R, Q1824R.
Identifiers: ClinVar variation 2125363 (VCV002125363.4), dbSNP rs1451403510, ClinGen allele CA390862898.